The following is an entry in ClinVar:

NM_001013838.3(CARMIL2):c.3710A>C (p.Lys1237Thr)

Gene: CARMIL2 (capping protein regulator and myosin 1 linker 2; plus strand). Cytogenetic location: 16q22.1.
Variant type: single nucleotide variant.
Coding change: c.3710A>C on transcript NM_001013838.3 (MANE Select); coding-DNA position 3710, A replaced by C.
Protein change: p.Lys1237Thr; replaces lysine 1237 with threonine.
Molecular consequence: missense variant.
Genome position (GRCh38, 1-based): chr16:67,656,035, A>C. VCF-style: chr16-67656035-A-C. GRCh37 (hg19) VCF-style: chr16-67689938-A-C.
Other names: c.3602A>C, p.Lys1201Thr (NM_001317026.3); short protein forms K1237T, K1201T.
Identifiers: ClinVar variation 1400354 (VCV001400354.8), dbSNP rs2142955311, ClinGen allele CA396346891.

ClinVar aggregate classification (germline): Uncertain significance (1 of 4 stars; one submission).

Submission:

Labcorp Genetics (formerly Invitae), Labcorp
Classification: Uncertain significance. Last evaluated: 2022-07-19. Review status: criteria provided, single submitter. Criteria: Invitae Variant Classification Sherloc (09022015). Collection method: clinical testing. Allele origin: germline.
Comment: In summary, the available evidence is currently insufficient to determine the role of this variant in disease. Therefore, it has been classified as a Variant of Uncertain Significance. Algorithms developed to predict the effect of sequence changes on RNA splicing suggest that this variant may create or strengthen a splice site. Algorithms developed to predict the effect of missense changes on protein structure and function are either unavailable or do not agree on the potential impact of this missense change (SIFT: "Tolerated"; PolyPhen-2: "Probably Damaging"; Align-GVGD: "Class C0"). ClinVar contains an entry for this variant (Variation ID: 1400354). This variant has not been reported in the literature in individuals affected with CARMIL2-related conditions. This variant is not present in population databases (gnomAD no frequency). This sequence change replaces lysine, which is basic and polar, with threonine, which is neutral and polar, at codon 1237 of the CARMIL2 protein (p.Lys1237Thr).